The following is an entry in ClinVar:

NM_000051.4(ATM):c.5712dup (p.Ser1905fs)

Gene: ATM (ATM serine/threonine kinase; plus strand). Cytogenetic location: 11q22.3.
Variant type: Duplication.
Coding change: c.5712dup on transcript NM_000051.4 (MANE Select); coding-DNA position 5712, one base duplicated (A; older notation c.5712dupA).
Protein change: p.Ser1905fs; shifts the reading frame from serine 1905.
Molecular consequence: frameshift variant.
Genome position (GRCh38, 1-based): chr11:108,307,934, A duplicated; the last of 6 consecutive A bases (chr11:108,307,929-108,307,934); duplicating any one gives the same sequence. VCF-style (leftmost placement, unchanged base first): chr11-108307928-T-TA. GRCh37 (hg19) VCF-style: chr11-108178655-T-TA.
Other names: c.5712dupA (NM_000051.3, NM_000051.4); c.5712dup, p.Ser1905fs (NM_001351834.2); short protein forms S1905fs.
Identifiers: ClinVar variation 141416 (VCV000141416.90), dbSNP rs587781730, ClinGen allele CA273879.

ClinVar aggregate classification (germline): Pathogenic. Review status: criteria provided, multiple submitters, no conflicts (2 of 4 stars). 19 submissions from 19 submitters: Pathogenic (15). 4 of the submissions do not count toward it. Last evaluated 2026-08-20.

Conditions:
ATM-related disorder. Also called: ATM-related disorders; ATM-related condition.
Inherited breast cancer and ovarian cancer.
Gastric cancer. Also called: Stomach cancer; Malignant tumor of stomach. Identifiers: MedGen C0024623, MeSH D013274, MONDO:0001056, OMIM 613659, HP:0012126.
Familial cancer of breast. Also called: Hereditary breast cancer; hereditary breast carcinoma; BREAST CANCER, FAMILIAL. Identifiers: Orphanet 227535, MedGen C0346153, MONDO:0016419, OMIM 114480. Disease mechanism: loss of function.
Ataxia-telangiectasia syndrome (AT). Also called: ATAXIA-TELANGIECTASIA, COMPLEMENTATION GROUP A; ATAXIA-TELANGIECTASIA, FRESNO VARIANT; Ataxia-telangiectasia; Ataxia-telangiectasia, complementation group D; AT, COMPLEMENTATION GROUP C; Ataxia-telangiectasia, complementation group E. Identifiers: Orphanet 100, MedGen C0004135, MONDO:0008840, OMIM 208900.
Hereditary cancer-predisposing syndrome. Also called: Tumor predisposition; Hereditary neoplastic syndrome; Hereditary Cancer Syndrome; Neoplastic Syndromes, Hereditary. Identifiers: Orphanet 140162, MedGen C0027672, MeSH D009386, MONDO:0015356.
Malignant tumor of breast. Also called: Cancer breast; Malignant breast neoplasm. Identifiers: MedGen C0006142, MONDO:0007254. Disease mechanism: loss of function.

Submissions 1 to 13 of 19:

Genetics Laboratory, Great Ormond Street Hospital NHS Foundation Trust, North Thames Genomic Laboratory Hub
Classification: Pathogenic for Inherited breast cancer and ovarian cancer. Last evaluated: 2026-08-20. Review status: criteria provided, single submitter. Criteria: CanVIG ATM Gene Specific V1.2. Collection method: clinical testing. Allele origin: germline. Affected: yes.
Comment: PVS1_very-strong, PM5_supporting, PM3_supporting

Labcorp Genetics (formerly Invitae), Labcorp
Classification: Pathogenic for Ataxia-telangiectasia syndrome. Last evaluated: 2026-01-07. Review status: criteria provided, single submitter. Criteria: Invitae Variant Classification Sherloc (09022015). Collection method: clinical testing. Allele origin: germline.
Comment: This sequence change creates a premature translational stop signal (p.Ser1905Ilefs*25) in the ATM gene. It is expected to result in an absent or disrupted protein product. Loss-of-function variants in ATM are known to be pathogenic (PMID: 23807571, 25614872). This variant is present in population databases (rs587781730, gnomAD 0.002%). This premature translational stop signal has been observed in individual(s) with pancreatic cancer and ataxia-telangiectasia (PMID: 8845835, 10817650, 10873394, 16266405, 26681312). ClinVar contains an entry for this variant (Variation ID: 141416). For these reasons, this variant has been classified as Pathogenic.

Natera, Inc.
Classification: Pathogenic for Ataxia-telangiectasia. Last evaluated: 2025-05-30. Review status: criteria provided, single submitter. Criteria: Natera Variant Classification Schema (03/2026). Collection method: clinical testing. Allele origin: germline.
Comment: The c.5712dupA variant in ATM is a frameshift variant predicted to shift the reading frame beginning at codon 1905 and leads to a stop codon 25 codons downstream. This variant is expected to result in nonsense mediated decay, truncation, or a dysfunctional protein product. This variant is rare in the general population with a frequency below the threshold expected for the associated phenotype(s). This variant has been observed in one or more individuals affected with the associated recessive disease, as either homozygous or compound heterozygous with a second variant (PMID: 10817650). Given the available evidence, this variant is classified as Pathogenic.

Ambry Genetics
Classification: Pathogenic for Hereditary cancer-predisposing syndrome. Last evaluated: 2025-03-17. Review status: criteria provided, single submitter. Criteria: Ambry Variant Classification Scheme 2023. Collection method: clinical testing. Allele origin: germline.
Comment: The c.5712dupA pathogenic mutation, located in coding exon 37 of the ATM gene, results from a duplication of A at nucleotide position 5712, causing a translational frameshift with a predicted alternate stop codon (p.S1905Ifs*25). This mutation has been detected in many individuals with ataxia-telangiectasia (Gilad S et al. Hum. Mol. Genet. 1996 Apr;5:433-9; Li A and Swift M. Am. J. Med. Genet. 2000 May;92:170-7; Becker-Catania SG et al. Mol. Genet. Metab. 2000 Jun;70:122-33; Mitui M et al. Ann. Hum. Genet. 2005 Nov;69:657-64). This mutation has also been detected by NGS in individuals with personal and family histories of breast cancer (Tung N et al. Cancer 2015 Jan;121:25-33; Desmond A et al. JAMA Oncol 2015 Oct;1:943-51) and in a patient with pancreatic cancer (Susswein LR et al. Genet. Med. 2016 Aug;18:823-32). This variant is considered to be rare based on population cohorts in the Genome Aggregation Database (gnomAD). In addition to the clinical data presented in the literature, this alteration is expected to result in loss of function by premature protein truncation or nonsense-mediated mRNA decay. As such, this alteration is interpreted as a disease-causing mutation.

Blueprint Genetics
Classification: Pathogenic for ATM-related disorders. Last evaluated: 2024-06-17. Review status: criteria provided, single submitter. Criteria: ACMG Guidelines, 2015. Collection method: clinical testing. Allele origin: germline. Affected: yes. Observed: 5 variant alleles.

Baylor Genetics
Classification: Pathogenic for Familial cancer of breast. Last evaluated: 2024-03-28. Review status: criteria provided, single submitter. Criteria: ACMG Guidelines, 2015. Collection method: clinical testing. Allele origin: unknown.

Fulgent Genetics
Classification: Pathogenic for Familial cancer of breast; Ataxia-telangiectasia syndrome. Last evaluated: 2024-03-21. Review status: criteria provided, single submitter. Criteria: ACMG Guidelines, 2015. Collection method: clinical testing. Allele origin: germline.

Myriad Genetics, Inc.
Classification: Pathogenic for Familial cancer of breast. Last evaluated: 2024-01-25. Review status: criteria provided, single submitter. Criteria: Myriad Autosomal Dominant, Autosomal Recessive and X-Linked Classification Criteria (2023). Collection method: clinical testing. Allele origin: unknown.
Comment: This variant is considered pathogenic. This variant creates a frameshift predicted to result in premature protein truncation.

Color Diagnostics, LLC DBA Color Health
Classification: Pathogenic for Hereditary cancer-predisposing syndrome. Last evaluated: 2024-01-22. Review status: criteria provided, single submitter. Criteria: ACMG Guidelines, 2015. Collection method: clinical testing. Allele origin: germline.
Comment: This variant inserts 1 nucleotide in exon 38 of the ATM gene, creating a frameshift and premature translation stop signal. This variant is expected to result in an absent or non-functional protein product. This variant has been reported in individuals affected with ataxia-telangiectasia (PMID: 8845835, 10817650, 10873394, 16266405), breast cancer (PMID: 25186627, 26270727), pancreatic cancer (PMID: 26681312, 29506128), and gastroesophageal junction adenocarcinoma (PMID: 35078243). This variant has been identified in 2/251146 chromosomes in the general population by the Genome Aggregation Database (gnomAD). Loss of ATM function is a known mechanism of disease. Based on the available evidence, this variant is classified as Pathogenic.

Revvity Omics, Revvity
Classification: Pathogenic for Ataxia-telangiectasia syndrome. Last evaluated: 2023-11-06. Review status: criteria provided, single submitter. Criteria: ACMG Guidelines, 2015. Collection method: clinical testing. Allele origin: germline.

GeneDx
Classification: Pathogenic. Last evaluated: 2022-11-07. Review status: criteria provided, single submitter. Criteria: GeneDx Variant Classification Process June 2021. Collection method: clinical testing. Allele origin: germline. Affected: yes.
Comment: Frameshift variant predicted to result in protein truncation or nonsense mediated decay in a gene for which loss-of-function is a known mechanism of disease; Not observed at significant frequency in large population cohorts (gnomAD); Truncating variants in this gene are considered pathogenic by a well-established clinical consortium and/or database; Observed in the heterozygous state in individuals with a personal and/or family history of ATM-related cancers (Tung et al., 2015; Antonarakis et al., 2018; Lowery et al., 2018; Girard et al., 2019); This variant is associated with the following publications: (PMID: 10873394, 8845835, 10817650, 26681312, 26270727, 25186627, 7792600, 16266405, 24763289, 18321536, 29506128, 30303537, 26689913, 31447099, 28843361, 29439820, 32754152, 33547824, 32866655, 34992599, 35365198, 32782288, 33804961, 29922827, 25614872, 23807571, 35366121, 35448200, 31050087)

CeGaT Center for Human Genetics Tuebingen
Classification: Pathogenic. Last evaluated: 2021-09-01. Review status: criteria provided, single submitter. Criteria: CeGaT Center For Human Genetics Tuebingen Variant Classification Criteria Version 2. Collection method: clinical testing. Allele origin: germline. Affected: yes. Observed: 1 variant allele.

Sema4
Classification: Pathogenic for Hereditary cancer-predisposing syndrome. Last evaluated: 2021-03-22. Review status: criteria provided, single submitter. Criteria: Sema4 Curation Guidelines. Collection method: curation. Allele origin: germline.
Comment: The ATM c.5712dupA (p.S1905IfsX25) variant has been reported in heterozygosity in at least 3 individuals with breast, pancreatic, and lung cancer (PMID: 26270727, 26681312, 29506128, 28843361) and in the compound heterozygous state with another ATM pathogenic variant in individuals with ataxia-telangiectasia (PMID:10873394, 16266405, 10817650, 8845835). This variant causes a frameshift at amino acid 1905 that results in premature termination 25 amino acids downstream. At this location, this is predicted to cause nonsense-mediated decay and result in an absent protein (loss of function). Loss of function variants in ATM are known to be pathogenic (PMID: 31050087). This variant was observed in 2/113578 chromosomes in the European Non-Finnish population, according to the Genome Aggregation Database (PMID: 32461654). This variant has been reported in ClinVar (Variation ID: 141416). Based on the current evidence available, this variant is interpreted as pathogenic.